The following is an entry in ClinVar:

NM_198578.4(LRRK2):c.6608C>T (p.Ala2203Val)

Gene: LRRK2 (leucine rich repeat kinase 2; plus strand). Cytogenetic location: 12q12.
Variant type: single nucleotide variant.
Coding change: c.6608C>T on transcript NM_198578.4 (MANE Select); coding-DNA position 6608, C replaced by T.
Protein change: p.Ala2203Val; replaces alanine 2203 with valine.
Molecular consequence: missense variant.
Genome position (GRCh38, 1-based): chr12:40,354,330, C>T. VCF-style: chr12-40354330-C-T. GRCh37 (hg19) VCF-style: chr12-40748132-C-T.
Other names: short protein forms A2203V.
Identifiers: ClinVar variation 2453135 (VCV002453135.2), dbSNP rs2499993265, ClinGen allele CA384408849.

ClinVar aggregate classification (germline): Uncertain significance (1 of 4 stars; one submission).

Conditions:
Inborn genetic diseases. Identifiers: MedGen C0950123, MeSH D030342.

Submission:

Ambry Genetics
Classification: Uncertain significance for Inborn genetic diseases. Last evaluated: 2023-02-28. Review status: criteria provided, single submitter. Criteria: Ambry Variant Classification Scheme 2023. Collection method: clinical testing. Allele origin: germline.
Comment: The p.A2203V variant (also known as c.6608C>T), located in coding exon 45 of the LRRK2 gene, results from a C to T substitution at nucleotide position 6608. The alanine at codon 2203 is replaced by valine, an amino acid with similar properties. This amino acid position is conserved. In addition, this alteration is predicted to be tolerated by in silico analysis. Since supporting evidence is limited at this time, the clinical significance of this alteration remains unclear.